The following is an entry in ClinVar:

NM_032383.5(HPS3):c.2524C>T (p.His842Tyr)

Genes: CP (ceruloplasmin; minus strand), HPS3 (HPS3 biogenesis of lysosomal organelles complex 2 subunit 1; plus strand). Cytogenetic location: 3q24.
Variant type: single nucleotide variant.
Coding change: c.2524C>T on transcript NM_032383.5 (MANE Select); coding-DNA position 2524, C replaced by T.
Protein change: p.His842Tyr; replaces histidine 842 with tyrosine.
Molecular consequence: missense variant.
Genome position (GRCh38, 1-based): chr3:149,163,884, C>T. VCF-style: chr3-149163884-C-T. GRCh37 (hg19) VCF-style: chr3-148881671-C-T.
Other names: c.2029C>T, p.His677Tyr (NM_001308258.2); c.2524C>T (NM_032383.3); short protein forms H677Y, H842Y.
Identifiers: ClinVar variation 991444 (VCV000991444.3), dbSNP rs776346762, ClinGen allele CA2660385.
Genomic context (GRCh38, chr3:149,163,884, plus strand): 5'-AATTCTTTTATGTTTTAGATAAATGCCTGTAGTCATTATGGCTTAATTTATCCATGGGTT[C>T]ACGTCGTAATATCATCTGATTCTTTAGCTGATAAAAATTATACAGAAGATCTTTCAAAAT-3'
Protein context (NP_115759.2, residues 832-852): SHYGLIYPWV[His842Tyr]VVISSDSLAD

ClinVar aggregate classification (germline): Uncertain significance. Review status: criteria provided, multiple submitters, no conflicts (2 of 4 stars). 3 submissions from 3 submitters: Uncertain significance (2). 1 of the submissions does not count toward it. Last evaluated 2023-11-06.

Conditions:
Inborn genetic diseases. Identifiers: MedGen C0950123, MeSH D030342.
Hermansky-Pudlak syndrome (HPS). Also called: ALBINISM WITH HEMORRHAGIC DIATHESIS AND PIGMENTED RETICULOENDOTHELIAL CELLS. Identifiers: Orphanet 79430, MedGen C0079504, MONDO:0019312.

Allele frequency attached by ClinVar (database versions not stated): TOPMed 0.00001; gnomAD exomes 0.00009; gnomAD 0.00002; ExAC 0.00010.
gnomAD v4.1: 23 of 1,585,284 alleles (0.0015%); highest among the groups gnomAD compares: East Asian, 0.049%; no homozygotes.

Submissions (3):

Ambry Genetics
Classification: Uncertain significance for Inborn genetic diseases. Last evaluated: 2023-11-06. Review status: criteria provided, single submitter. Criteria: Ambry Variant Classification Scheme 2023. Collection method: clinical testing. Allele origin: germline.

Labcorp Genetics (formerly Invitae), Labcorp
Classification: Uncertain significance. Last evaluated: 2022-04-21. Review status: criteria provided, single submitter. Criteria: Invitae Variant Classification Sherloc (09022015). Collection method: clinical testing. Allele origin: germline.
Comment: This sequence change replaces histidine, which is basic and polar, with tyrosine, which is neutral and polar, at codon 842 of the HPS3 protein (p.His842Tyr). This variant is present in population databases (rs776346762, gnomAD 0.1%). This variant has not been reported in the literature in individuals affected with HPS3-related conditions. ClinVar contains an entry for this variant (Variation ID: 991444). Algorithms developed to predict the effect of missense changes on protein structure and function (SIFT, PolyPhen-2, Align-GVGD) all suggest that this variant is likely to be tolerated. In summary, the available evidence is currently insufficient to determine the role of this variant in disease. Therefore, it has been classified as a Variant of Uncertain Significance.

Natera, Inc.
Classification: Uncertain significance for Hermansky-Pudlak syndrome. Last evaluated: 2020-07-08. Review status: no assertion criteria provided. Collection method: clinical testing. Allele origin: germline. Not counted in ClinVar's aggregate classification.